The following is an entry in ClinVar:

ClinVar aggregate classification (germline): Uncertain significance. Review status: criteria provided, multiple submitters, no conflicts (2 of 4 stars). 2 submissions from 2 submitters: Uncertain significance (2). Last evaluated 2022-09-26.

Conditions:
Brain small vessel disease 1 with or without ocular anomalies (BSVD1). Also called: PORENCEPHALY, TYPE 1, AUTOSOMAL DOMINANT; Brain small vessel disease with or without ocular anomalies; BRAIN SMALL VESSEL DISEASE WITH HEMORRHAGE; GOULD SYNDROME 1. Identifiers: Orphanet 2940, Orphanet 36383, Orphanet 99810, MedGen C4755307, MONDO:0008289, OMIM 175780.

Submissions (2):

Blueprint Genetics
Classification: Uncertain significance. Last evaluated: 2022-09-26. Review status: criteria provided, single submitter. Criteria: ACMG Guidelines, 2015. Collection method: clinical testing. Allele origin: germline.

MGZ Medical Genetics Center
Classification: Uncertain significance for Brain small vessel disease 1 with or without ocular anomalies. Last evaluated: 2021-12-13. Review status: criteria provided, single submitter. Criteria: ACMG Guidelines, 2015. Collection method: clinical testing. Allele origin: germline. Affected: yes. Observed: 1 variant allele.
Comment: ACMG criteria applied: PM1, PM2_SUP, PP2, PP3

NM_001845.6(COL4A1):c.2143C>T (p.Arg715Cys)

Gene: COL4A1 (collagen type IV alpha 1 chain; minus strand). Cytogenetic location: 13q34.
Variant type: single nucleotide variant.
Coding change: c.2143C>T on transcript NM_001845.6 (MANE Select); coding-DNA position 2143, C replaced by T.
Protein change: p.Arg715Cys; replaces arginine 715 with cysteine.
Molecular consequence: missense variant.
Genome position (GRCh38, 1-based): chr13:110,181,342, G>A on the plus strand (C>T on the coding strand, the complement: COL4A1 is on the minus strand). VCF-style: chr13-110181342-G-A. GRCh37 (hg19) VCF-style: chr13-110833689-G-A.
Other names: short protein forms R715C.
Identifiers: ClinVar variation 1709035 (VCV001709035.3), dbSNP rs867967840, ClinGen allele CA256260954.